The following is an entry in ClinVar:

ClinVar aggregate classification (germline): Conflicting classifications of pathogenicity. Review status: criteria provided, conflicting classifications (1 of 4 stars). 5 submissions from 5 submitters: Uncertain significance (1); Benign (1); Likely benign (3). Last evaluated 2026-03-03.

Conditions:
Breast-ovarian cancer, familial, susceptibility to, 2 (BROVCA2). Also called: BRCA2 Hereditary Breast and Ovarian Cancer. Identifiers: Orphanet 145, MedGen C2675520, MONDO:0012933, OMIM 612555. Disease mechanism: loss of function.

Allele frequency attached by ClinVar (database versions not stated): 1000 Genomes Project 30x 0.00062; TOPMed 0.00182; gnomAD 0.00191 and 0.00195.
gnomAD v4.1: 292 of 152,268 alleles (0.19%); highest among the groups gnomAD compares: Middle Eastern, 0.68%; no homozygotes.

Submissions (5):

Dasa
Classification: Benign. Last evaluated: 2026-03-03. Review status: criteria provided, single submitter. Criteria: DASA Assertion Criteria. Collection method: clinical testing. Allele origin: germline.
Comment: NM_000059.4(BRCA2):c.6937+565T>C is a splice-region variant predicted to affect normal RNA splicing. Multiple computational predictions support a deleterious effect on the gene or gene product. Based on the available data, this variant is classified as benign.

CeGaT Center for Human Genetics Tuebingen
Classification: Likely benign. Last evaluated: 2026-03-01. Review status: criteria provided, single submitter. Criteria: CeGaT Center For Human Genetics Tuebingen Variant Classification Criteria Version 2. Collection method: clinical testing. Allele origin: germline. Affected: yes. Observed: 5 variant alleles.
Comment: BRCA2: BS1

ARUP Laboratories, Molecular Genetics and Genomics, ARUP Laboratories
Classification: Likely benign. Last evaluated: 2023-10-06. Review status: criteria provided, single submitter. Criteria: ARUP Molecular Germline Variant Investigation Process 2024. Collection method: clinical testing. Allele origin: germline.

Mendelics
Classification: Likely benign for Breast-ovarian cancer, familial, susceptibility to, 2. Last evaluated: 2019-05-28. Review status: criteria provided, single submitter. Criteria: Mendelics Assertion Criteria 2017. Collection method: clinical testing. Allele origin: unknown.

Genetic Services Laboratory, University of Chicago
Classification: Uncertain significance. Last evaluated: 2016-04-13. Review status: criteria provided, single submitter. Criteria: ACMG Guidelines, 2015. Collection method: clinical testing. Allele origin: germline. Affected: no.

NM_000059.4(BRCA2):c.6937+565T>C

Gene: BRCA2 (BRCA2 DNA repair associated; plus strand). Cytogenetic location: 13q13.1.
Variant type: single nucleotide variant.
Coding change: c.6937+565T>C on transcript NM_000059.4 (MANE Select); 565 bases into the intron after coding-DNA position 6937, T replaced by C.
Molecular consequence: intron variant.
Genome position (GRCh38, 1-based): chr13:32,345,218, T>C. VCF-style: chr13-32345218-T-C. GRCh37 (hg19) VCF-style: chr13-32919355-T-C.
Identifiers: ClinVar variation 434534 (VCV000434534.23), dbSNP rs11571675, ClinGen allele CA247518009.
Genomic context (GRCh38, chr13:32,345,218, plus strand): 5'-TATTTTCATTCATTTTTGAAAAGATGTCTGCCGAATACCCAAGTCTGAATAACTATAGTT[T>C]GTTGGTTATTCTTTCAAGTAAAAGGTATTTCATGAAAAAATAGCTAGTATAGCTCACAAC-3'